The following is an entry in ClinVar:

NM_003721.4(RFXANK):c.368G>A (p.Arg123His)

Gene: RFXANK (regulatory factor X associated ankyrin containing protein; plus strand). Cytogenetic location: 19p13.11.
Variant type: single nucleotide variant.
Coding change: c.368G>A on transcript NM_003721.4 (MANE Select); coding-DNA position 368, G replaced by A.
Protein change: p.Arg123His; replaces arginine 123 with histidine.
Molecular consequence: missense variant.
Genome position (GRCh38, 1-based): chr19:19,197,551, G>A. VCF-style: chr19-19197551-G-A. GRCh37 (hg19) VCF-style: chr19-19308360-G-A.
Other names: c.302G>A, p.Arg101His (NM_001278727.2, NM_001370234.1); c.299G>A, p.Arg100His (NM_001278728.2, NM_134440.3); c.368G>A, p.Arg123His (NM_001370233.1, NM_001370238.1); c.365G>A, p.Arg122His (NM_001370235.1, NM_001370236.1, NM_001370237.1); short protein forms R100H, R101H, R122H, R123H.
Identifiers: ClinVar variation 1479118 (VCV001479118.6), dbSNP rs762597760, ClinGen allele CA9322722.
Genomic context (GRCh38, chr19:19,197,551, plus strand): 5'-CTGGTGGTATTGCCCGCCTCCTCCTGCCAGGTGACAACCTCGTCAACAAGCCAGACGAGC[G>A]CGGCTTCACCCCCCTCATCTGGGCCTCCGCCTTTGGAGAGATTGAGACCGTTCGCTTCCT-3'
Protein context (NP_003712.1, residues 113-133): GDNLVNKPDE[Arg123His]GFTPLIWASA

ClinVar aggregate classification (germline): Uncertain significance (1 of 4 stars; one submission).

Conditions:
MHC class II deficiency. Also called: BLS, TYPE II; Bare lymphocyte syndrome 2. Identifiers: Orphanet 572, MedGen C5447452, MONDO:0008855.

Allele frequency attached by ClinVar (database versions not stated): gnomAD 0.00001; ExAC 0.00003; gnomAD exomes 0.00003 and 0.00004; TOPMed 0.00004.
gnomAD v4.1: 40 of 1,613,794 alleles (0.0025%); highest among the groups gnomAD compares: Admixed American, 0.017%; no homozygotes.

Submission:

Labcorp Genetics (formerly Invitae), Labcorp
Classification: Uncertain significance for MHC class II deficiency. Last evaluated: 2022-07-23. Review status: criteria provided, single submitter. Criteria: Invitae Variant Classification Sherloc (09022015). Collection method: clinical testing. Allele origin: germline.
Comment: This sequence change replaces arginine, which is basic and polar, with histidine, which is basic and polar, at codon 123 of the RFXANK protein (p.Arg123His). This variant is present in population databases (rs762597760, gnomAD 0.02%). This variant has not been reported in the literature in individuals affected with RFXANK-related conditions. ClinVar contains an entry for this variant (Variation ID: 1479118). Algorithms developed to predict the effect of missense changes on protein structure and function output the following: SIFT: "Tolerated"; PolyPhen-2: "Benign"; Align-GVGD: "Class C0". The histidine amino acid residue is found in multiple mammalian species, which suggests that this missense change does not adversely affect protein function. In summary, the available evidence is currently insufficient to determine the role of this variant in disease. Therefore, it has been classified as a Variant of Uncertain Significance.